The following is an entry in ClinVar:

NM_003482.4(KMT2D):c.10031C>T (p.Ala3344Val)

Gene: KMT2D (lysine methyltransferase 2D; minus strand). Cytogenetic location: 12q13.12.
Variant type: single nucleotide variant.
Coding change: c.10031C>T on transcript NM_003482.4 (MANE Select); coding-DNA position 10031, C replaced by T.
Protein change: p.Ala3344Val; replaces alanine 3344 with valine.
Molecular consequence: missense variant.
Genome position (GRCh38, 1-based): chr12:49,037,325, G>A on the plus strand (C>T on the coding strand, the complement: KMT2D is on the minus strand). VCF-style: chr12-49037325-G-A. GRCh37 (hg19) VCF-style: chr12-49431108-G-A.
Other names: short protein forms A3344V.
Identifiers: ClinVar variation 4811403 (VCV004811403.1).

ClinVar aggregate classification (germline): Uncertain significance (1 of 4 stars; one submission).

Conditions:
Kabuki syndrome. Also called: NIIKAWA-KUROKI SYNDROME; Kabuki make-up syndrome. Identifiers: Orphanet 2322, MedGen C0796004, MONDO:0016512.

Submission:

Labcorp Genetics (formerly Invitae), Labcorp
Classification: Uncertain significance for Kabuki syndrome. Last evaluated: 2025-06-14. Review status: criteria provided, single submitter. Criteria: Invitae Variant Classification Sherloc (09022015). Collection method: clinical testing. Allele origin: germline.
Comment: This sequence change replaces alanine, which is neutral and non-polar, with valine, which is neutral and non-polar, at codon 3344 of the KMT2D protein (p.Ala3344Val). This variant is not present in population databases (gnomAD no frequency). This variant has not been reported in the literature in individuals affected with KMT2D-related conditions. Invitae Evidence Modeling of protein sequence and biophysical properties (such as structural, functional, and spatial information, amino acid conservation, physicochemical variation, residue mobility, and thermodynamic stability) indicates that this missense variant is not expected to disrupt KMT2D protein function with a negative predictive value of 95%. In summary, the available evidence is currently insufficient to determine the role of this variant in disease. Therefore, it has been classified as a Variant of Uncertain Significance.